The following is an entry in ClinVar:

ClinVar aggregate classification (germline): Uncertain significance. Review status: criteria provided, multiple submitters, no conflicts (2 of 4 stars). 2 submissions from 2 submitters: Uncertain significance (2). Last evaluated 2024-10-30.

Conditions:
Immunodeficiency 23 (IMD23). Also called: IMMUNODEFICIENCY WITH HYPER IgE AND COGNITIVE IMPAIRMENT; IMMUNODEFICIENCY-VASCULITIS-MYOCLONUS SYNDROME. Identifiers: Orphanet 443811, MedGen C4014371, MONDO:0014353, OMIM 615816.

Submissions (2):

Labcorp Genetics (formerly Invitae), Labcorp
Classification: Uncertain significance for Immunodeficiency 23. Last evaluated: 2024-10-30. Review status: criteria provided, single submitter. Criteria: Invitae Variant Classification Sherloc (09022015). Collection method: clinical testing. Allele origin: germline.
Comment: This sequence change replaces leucine, which is neutral and non-polar, with serine, which is neutral and polar, at codon 184 of the PGM3 protein (p.Leu184Ser). This variant is not present in population databases (gnomAD no frequency). This variant has not been reported in the literature in individuals affected with PGM3-related conditions. An algorithm developed to predict the effect of missense changes on protein structure and function (PolyPhen-2) suggests that this variant is likely to be disruptive. In summary, the available evidence is currently insufficient to determine the role of this variant in disease. Therefore, it has been classified as a Variant of Uncertain Significance.

Genetic Services Laboratory, University of Chicago
Classification: Uncertain significance. Last evaluated: 2023-02-23. Review status: criteria provided, single submitter. Criteria: ACMG Guidelines, 2015. Collection method: clinical testing. Allele origin: germline. Affected: no.
Comment: DNA sequence analysis of the PGM3 gene demonstrated a sequence change, c.551T>C, in exon 6 that results in an amino acid change, p.Leu184Ser. This sequence change does not appear to have been previously described in individuals with PGM3-related disorders and has also not been described in population databases such as ExAC and gnomAD. The p.Leu184Ser change affects a moderately conserved amino acid residue located in a domain of the PGM3 protein that is known to be functional. In-silico pathogenicity prediction tools (SIFT, PolyPhen2, Align GVGD, REVEL) provide contradictory results for the p.Leu184Ser substitution. Due to insufficient evidence and the lack of functional studies, the clinical significance of the p.Leu184Ser change remains unknown at this time.

NM_015599.3(PGM3):c.467T>C (p.Leu156Ser)

Gene: PGM3 (phosphoglucomutase 3; minus strand). Cytogenetic location: 6q14.1.
Variant type: single nucleotide variant.
Coding change: c.467T>C on transcript NM_015599.3 (MANE Select); coding-DNA position 467, T replaced by C.
Protein change: p.Leu156Ser; replaces leucine 156 with serine.
Molecular consequence: missense variant. On other transcripts: non-coding transcript variant (1).
Genome position (GRCh38, 1-based): chr6:83,182,969, A>G on the plus strand (T>C on the coding strand, the complement: PGM3 is on the minus strand). VCF-style: chr6-83182969-A-G. GRCh37 (hg19) VCF-style: chr6-83892688-A-G.
Other names: c.551T>C, p.Leu184Ser (NM_001199917.2, NM_001367287.1); c.224T>C, p.Leu75Ser (NM_001199918.2); c.467T>C, p.Leu156Ser (NM_001199919.2, NM_001367286.1); short protein forms L156S, L75S, L184S.
Identifiers: ClinVar variation 3724247 (VCV003724247.4).
Genomic context (GRCh38, chr6:83,182,969, plus strand): 5'-CCATATCGGCCACCCGTGTTTCGACAATACACCATGTAGTGCAGCTGGGGTGTTGTTAAC[A>G]AGCCATAATCTGTCATAGAAATACAAAAAGCAATTCACCGCATTTCTTAACAAAGAGAAA-3'
Protein context (NP_056414.1, residues 146-166): VLGGQFHDYG[Leu156Ser]LTTPQLHYMV